The following is an entry in ClinVar:

ClinVar aggregate classification (germline): Uncertain significance (1 of 4 stars; one submission).

Conditions:
Ataxia-telangiectasia syndrome (AT). Also called: LOUIS-BAR SYNDROME; Cerebello-oculocutaneous telangiectasia; Immunodeficiency with ataxia telangiectasia; ATAXIA-TELANGIECTASIA, COMPLEMENTATION GROUP A; ATAXIA-TELANGIECTASIA, FRESNO VARIANT; Ataxia-telangiectasia, complementation group D. Identifiers: Orphanet 100, MedGen C0004135, MONDO:0008840, OMIM 208900.

Submission:

Labcorp Genetics (formerly Invitae), Labcorp
Classification: Uncertain significance for Ataxia-telangiectasia syndrome. Last evaluated: 2021-09-17. Review status: criteria provided, single submitter. Criteria: Invitae Variant Classification Sherloc (09022015). Collection method: clinical testing. Allele origin: germline.
Comment: This sequence change replaces threonine with isoleucine at codon 1316 of the ATM protein (p.Thr1316Ile). The threonine residue is weakly conserved and there is a moderate physicochemical difference between threonine and isoleucine. This variant is not present in population databases (ExAC no frequency). This variant has not been reported in the literature in individuals with ATM-related conditions. Advanced modeling of protein sequence and biophysical properties (such as structural, functional, and spatial information, amino acid conservation, physicochemical variation, residue mobility, and thermodynamic stability) performed at Invitae indicates that this missense variant is not expected to disrupt ATM protein function. In summary, the available evidence is currently insufficient to determine the role of this variant in disease. Therefore, it has been classified as a Variant of Uncertain Significance.

NM_000051.4(ATM):c.3947C>T (p.Thr1316Ile)

Gene: ATM (ATM serine/threonine kinase; plus strand). Cytogenetic location: 11q22.3.
Variant type: single nucleotide variant.
Coding change: c.3947C>T on transcript NM_000051.4 (MANE Select); coding-DNA position 3947, C replaced by T.
Protein change: p.Thr1316Ile; replaces threonine 1316 with isoleucine.
Molecular consequence: missense variant.
Genome position (GRCh38, 1-based): chr11:108,284,427, C>T. VCF-style: chr11-108284427-C-T. GRCh37 (hg19) VCF-style: chr11-108155154-C-T.
Other names: c.3947C>T, p.Thr1316Ile (NM_001351834.2); short protein forms T1316I.
Identifiers: ClinVar variation 1410520 (VCV001410520.5), dbSNP rs2135709186, ClinGen allele CA382525992.